The following is an entry in ClinVar:

ClinVar aggregate classification (germline): Uncertain significance. Review status: criteria provided, multiple submitters, no conflicts (2 of 4 stars). 2 submissions from 2 submitters: Uncertain significance (2). Last evaluated 2025-04-23.

Conditions:
Retinal dystrophy. Also called: Inherited retinal dystrophy. Identifiers: Orphanet 71862, MedGen C0854723, MeSH D058499, MONDO:0019118, HP:0000556.

Allele frequency attached by ClinVar (database versions not stated): gnomAD exomes below 0.00001; TOPMed 0.00001.
gnomAD v4.1: 1 of 1,614,130 alleles (0.000062%); highest among the groups gnomAD compares: Admixed American, 0.0017%; no homozygotes.

Submissions (2):

GeneDx
Classification: Uncertain significance. Last evaluated: 2025-04-23. Review status: criteria provided, single submitter. Criteria: GeneDx Variant Classification Process June 2021. Collection method: clinical testing. Allele origin: germline. Affected: yes.
Comment: Not observed at significant frequency in large population cohorts (gnomAD); In silico analysis supports that this missense variant has a deleterious effect on protein structure/function; Has not been previously published as pathogenic or benign to our knowledge

Dept Of Ophthalmology, Nagoya University
Classification: Uncertain significance for Retinal dystrophy. Last evaluated: 2023-10-01. Review status: criteria provided, single submitter. Criteria: Submitter's publication. Collection method: research. Allele origin: germline. Affected: yes.

NM_006445.4(PRPF8):c.971C>T (p.Pro324Leu)

Gene: PRPF8 (pre-mRNA processing factor 8; minus strand). Cytogenetic location: 17p13.3.
Variant type: single nucleotide variant.
Coding change: c.971C>T on transcript NM_006445.4 (MANE Select); coding-DNA position 971, C replaced by T.
Protein change: p.Pro324Leu; replaces proline 324 with leucine.
Molecular consequence: missense variant.
Genome position (GRCh38, 1-based): chr17:1,680,950, G>A on the plus strand (C>T on the coding strand, the complement: PRPF8 is on the minus strand). VCF-style: chr17-1680950-G-A. GRCh37 (hg19) VCF-style: chr17-1584244-G-A.
Other names: c.971C>T (NM_006445.3); short protein forms P324L.
Identifiers: ClinVar variation 3028461 (VCV003028461.2), dbSNP rs1262471258, ClinGen allele CA397566051.
Genomic context (GRCh38, chr17:1,680,950, plus strand): 5'-GCCTTCTCCTTTCCAAATGTTGTGTTCCAGGTCTCTTACCAGGTGAGGTGGACATGGTGT[G>A]GAAGATTGTTGTACAAGTAAGGAAAAGCAATCTTGTACTCAGTGCGGATAGGCTGCCGGA-3'
Protein context (NP_006436.3, residues 314-334): IAFPYLYNNL[Pro324Leu]HHVHLTWYHT